The following is an entry in ClinVar:

ClinVar aggregate classification (germline): Uncertain significance. Review status: criteria provided, multiple submitters, no conflicts (2 of 4 stars). 3 submissions from 3 submitters: Uncertain significance (3). Last evaluated 2022-05-24.

Conditions:
Emery-Dreifuss muscular dystrophy 4, autosomal dominant (EDMD4). Also called: EMERY-DREIFUSS MUSCULAR DYSTROPHY 4 WITH VARIABLE FEATURES. Identifiers: Orphanet 261, MedGen C2751807, MONDO:0013071, OMIM 612998.
Autosomal recessive ataxia, Beauce type. Also called: Spinocerebellar ataxia, autosomal recessive 8; ATAXIA, RECESSIVE, OF BEAUCE; SYNE1 Deficiency; SYNE1-Related Autosomal Recessive Cerebellar Ataxia. Identifiers: Orphanet 88644, MedGen C1853116, MONDO:0012549, OMIM 610743.

Allele frequency attached by ClinVar (database versions not stated): gnomAD exomes below 0.00001 and 0.00001; gnomAD 0.00001; TOPMed 0.00001.
gnomAD v4.1: 4 of 1,614,070 alleles (0.00025%); highest among the groups gnomAD compares: Admixed American, 0.0067%; no homozygotes.

Submissions (3):

Revvity Omics, Revvity
Classification: Uncertain significance. Last evaluated: 2022-05-24. Review status: criteria provided, single submitter. Criteria: ACMG Guidelines, 2015. Collection method: clinical testing. Allele origin: germline.

Labcorp Genetics (formerly Invitae), Labcorp
Classification: Uncertain significance for Emery-Dreifuss muscular dystrophy 4, autosomal dominant; Autosomal recessive ataxia, Beauce type. Last evaluated: 2022-05-11. Review status: criteria provided, single submitter. Criteria: Invitae Variant Classification Sherloc (09022015). Collection method: clinical testing. Allele origin: germline.
Comment: This sequence change replaces glutamic acid, which is acidic and polar, with aspartic acid, which is acidic and polar, at codon 4807 of the SYNE1 protein (p.Glu4807Asp). This variant is present in population databases (no rsID available, gnomAD 0.006%). This variant has not been reported in the literature in individuals affected with SYNE1-related conditions. ClinVar contains an entry for this variant (Variation ID: 1032318). Algorithms developed to predict the effect of missense changes on protein structure and function (SIFT, PolyPhen-2, Align-GVGD) all suggest that this variant is likely to be tolerated. In summary, the available evidence is currently insufficient to determine the role of this variant in disease. Therefore, it has been classified as a Variant of Uncertain Significance.

Baylor Genetics
Classification: Uncertain significance for Autosomal recessive ataxia, Beauce type. Last evaluated: 2018-01-24. Review status: criteria provided, single submitter. Criteria: ACMG Guidelines, 2015. Collection method: clinical testing. Allele origin: unknown. Affected: yes.
Comment: This variant was determined to be of uncertain significance according to ACMG Guidelines, 2015 [PMID:25741868]. The SYNE1 gene has also been linked to intellectual disability, microcephaly, brain stem and cerebellum hypoplasia and delayed myelination in one report [PMID: 26539891]

Literature cited by the submitters: PubMed 26539891 (cited by Baylor Genetics).

NM_182961.4(SYNE1):c.14634A>C (p.Glu4878Asp)

Gene: SYNE1 (spectrin repeat containing nuclear envelope protein 1; minus strand). Cytogenetic location: 6q25.2.
Variant type: single nucleotide variant.
Coding change: c.14634A>C on transcript NM_182961.4 (MANE Select); coding-DNA position 14634, A replaced by C.
Protein change: p.Glu4878Asp; replaces glutamic acid 4878 with aspartic acid.
Molecular consequence: missense variant.
Genome position (GRCh38, 1-based): chr6:152,330,051, T>G on the plus strand (A>C on the coding strand, the complement: SYNE1 is on the minus strand). VCF-style: chr6-152330051-T-G. GRCh37 (hg19) VCF-style: chr6-152651186-T-G.
Other names: c.14421A>C, p.Glu4807Asp (NM_033071.5); short protein forms E4807D, E4878D.
Identifiers: ClinVar variation 1032318 (VCV001032318.6), dbSNP rs1159750019, ClinGen allele CA366096933.